The following is an entry in ClinVar:

NM_000260.4(MYO7A):c.285C>A (p.Tyr95Ter)

Gene: MYO7A (myosin VIIA; plus strand). Cytogenetic location: 11q13.5.
Variant type: single nucleotide variant.
Coding change: c.285C>A on transcript NM_000260.4 (MANE Select); coding-DNA position 285, C replaced by A.
Protein change: p.Tyr95Ter; replaces tyrosine 95 with a stop codon.
Molecular consequence: nonsense.
Genome position (GRCh38, 1-based): chr11:77,147,950, C>A. VCF-style: chr11-77147950-C-A. GRCh37 (hg19) VCF-style: chr11-76858996-C-A.
Other names: c.285C>A, p.Tyr95Ter (NM_001127180.2); c.252C>A, p.Tyr84Ter (NM_001369365.1); short protein forms Y84*, Y95*.
Identifiers: ClinVar variation 939123 (VCV000939123.7), dbSNP rs1555054892, ClinGen allele CA381929478.

ClinVar aggregate classification (germline): Pathogenic (1 of 4 stars; one submission).

Submission:

Labcorp Genetics (formerly Invitae), Labcorp
Classification: Pathogenic. Last evaluated: 2021-07-23. Review status: criteria provided, single submitter. Criteria: Invitae Variant Classification Sherloc (09022015). Collection method: clinical testing. Allele origin: germline.
Comment: For these reasons, this variant has been classified as Pathogenic. Algorithms developed to predict the effect of sequence changes on RNA splicing suggest that this variant may disrupt the consensus splice site. ClinVar contains an entry for this variant (Variation ID: 939123). This variant has not been reported in the literature in individuals affected with MYO7A-related conditions. This variant is not present in population databases (ExAC no frequency). This sequence change creates a premature translational stop signal (p.Tyr95*) in the MYO7A gene. It is expected to result in an absent or disrupted protein product. Loss-of-function variants in MYO7A are known to be pathogenic (PMID: 8900236, 25404053).

Literature cited by the submitters: PubMed 8900236; PubMed 25404053.